The following is an entry in ClinVar:

NM_014714.4(IFT140):c.1739G>A (p.Ser580Asn)

Gene: IFT140 (intraflagellar transport 140; minus strand). Cytogenetic location: 16p13.3.
Variant type: single nucleotide variant.
Coding change: c.1739G>A on transcript NM_014714.4 (MANE Select); coding-DNA position 1739, G replaced by A.
Protein change: p.Ser580Asn; replaces serine 580 with asparagine.
Molecular consequence: missense variant.
Genome position (GRCh38, 1-based): chr16:1,568,248, C>T on the plus strand (G>A on the coding strand, the complement: IFT140 is on the minus strand). VCF-style: chr16-1568248-C-T. GRCh37 (hg19) VCF-style: chr16-1618249-C-T.
Other names: short protein forms S580N.
Identifiers: ClinVar variation 943077 (VCV000943077.7), dbSNP rs1019259823, ClinGen allele CA276662710.

ClinVar aggregate classification (germline): Conflicting classifications of pathogenicity. Review status: criteria provided, conflicting classifications (1 of 4 stars). 2 submissions from 2 submitters: Uncertain significance (1); Likely benign (1). Last evaluated 2022-04-25.

Conditions:
Saldino-Mainzer syndrome (SRTD9). Also called: CONORENAL SYNDROME; SHORT-RIB THORACIC DYSPLASIA 9 WITHOUT POLYDACTYLY; short-rib thoracic dysplasia 9 with or without polydactyly; Renal dysplasia, retinal pigmentary dystrophy, cerebellar ataxia and skeletal dysplasia. Identifiers: Orphanet 140969, MedGen C1849437, MONDO:0009964, OMIM 266920.
Inborn genetic diseases. Identifiers: MedGen C0950123, MeSH D030342.

Allele frequency attached by ClinVar (database versions not stated): TOPMed 0.00003.
gnomAD v4.1: 3 of 1,610,484 alleles (0.00019%); highest among the groups gnomAD compares: Admixed American, 0.0034%; no homozygotes.

Submissions (2):

Ambry Genetics
Classification: Likely benign for Inborn genetic diseases. Last evaluated: 2022-04-25. Review status: criteria provided, single submitter. Criteria: Ambry Variant Classification Scheme 2023. Collection method: clinical testing. Allele origin: germline.

Labcorp Genetics (formerly Invitae), Labcorp
Classification: Uncertain significance for Saldino-Mainzer syndrome. Last evaluated: 2021-08-26. Review status: criteria provided, single submitter. Criteria: Invitae Variant Classification Sherloc (09022015). Collection method: clinical testing. Allele origin: germline.
Comment: This sequence change replaces serine with asparagine at codon 580 of the IFT140 protein (p.Ser580Asn). The serine residue is moderately conserved and there is a small physicochemical difference between serine and asparagine. This variant is not present in population databases (ExAC no frequency). This variant has not been reported in the literature in individuals affected with IFT140-related conditions. Algorithms developed to predict the effect of missense changes on protein structure and function output the following: SIFT: "Tolerated"; PolyPhen-2: "Benign"; Align-GVGD: "Class C0". The asparagine amino acid residue is found in multiple mammalian species, which suggests that this missense change does not adversely affect protein function. In summary, the available evidence is currently insufficient to determine the role of this variant in disease. Therefore, it has been classified as a Variant of Uncertain Significance.